The following is an entry in ClinVar:

ClinVar aggregate classification (germline): Uncertain significance (1 of 4 stars; one submission).

Conditions:
Autoimmune lymphoproliferative syndrome, type III caused by mutation in PRKCD. Identifiers: Orphanet 3261, Orphanet 664711, MedGen C3809928, MONDO:8000024, OMIM 615559.

gnomAD v4.1: 1 of 1,614,156 alleles (0.000062%); highest among the groups gnomAD compares: East Asian, 0.0022%; no homozygotes.

Submission:

Labcorp Genetics (formerly Invitae), Labcorp
Classification: Uncertain significance for Autoimmune lymphoproliferative syndrome, type III caused by mutation in PRKCD. Last evaluated: 2022-05-15. Review status: criteria provided, single submitter. Criteria: Invitae Variant Classification Sherloc (09022015). Collection method: clinical testing. Allele origin: germline.
Comment: This variant has not been reported in the literature in individuals affected with PRKCD-related conditions. This variant is not present in population databases (gnomAD no frequency). This sequence change replaces glycine, which is neutral and non-polar, with arginine, which is basic and polar, at codon 501 of the PRKCD protein (p.Gly501Arg). In summary, the available evidence is currently insufficient to determine the role of this variant in disease. Therefore, it has been classified as a Variant of Uncertain Significance. Algorithms developed to predict the effect of missense changes on protein structure and function (SIFT, PolyPhen-2, Align-GVGD) all suggest that this variant is likely to be disruptive.

NM_006254.4(PRKCD):c.1501G>A (p.Gly501Arg)

Gene: PRKCD (protein kinase C delta; plus strand). Cytogenetic location: 3p21.1.
Variant type: single nucleotide variant.
Coding change: c.1501G>A on transcript NM_006254.4 (MANE Select); coding-DNA position 1501, G replaced by A.
Protein change: p.Gly501Arg; replaces glycine 501 with arginine.
Molecular consequence: missense variant.
Genome position (GRCh38, 1-based): chr3:53,188,805, G>A. VCF-style: chr3-53188805-G-A. GRCh37 (hg19) VCF-style: chr3-53222821-G-A.
Other names: c.1501G>A, p.Gly501Arg (NM_001316327.2, NM_001354679.2, NM_001354680.2 and 1 more transcripts); c.1558G>A, p.Gly520Arg (NM_001354676.2); c.1549G>A, p.Gly517Arg (NM_001354678.2); short protein forms G517R, G501R, G520R.
Identifiers: ClinVar variation 2133180 (VCV002133180.4), dbSNP rs782726901, ClinGen allele CA353223382.